The following is an entry in ClinVar:

NM_001367721.1(CASK):c.2471G>A (p.Arg824Gln)

Gene: CASK (calcium/calmodulin dependent serine protein kinase; minus strand). Cytogenetic location: Xp11.4.
Variant type: single nucleotide variant.
Coding change: c.2471G>A on transcript NM_001367721.1 (MANE Select); coding-DNA position 2471, G replaced by A.
Protein change: p.Arg824Gln; replaces arginine 824 with glutamine.
Molecular consequence: missense variant.
Genome position (GRCh38, 1-based): chrX:41,531,056, C>T on the plus strand (G>A on the coding strand, the complement: CASK is on the minus strand). VCF-style: chrX-41531056-C-T. GRCh37 (hg19) VCF-style: chrX-41390309-C-T.
Other names: c.2387G>A, p.Arg796Gln (NM_001126054.3); c.2384G>A, p.Arg795Gln (NM_001126055.3); c.2453G>A, p.Arg818Gln (NM_001410745.1); c.2456G>A, p.Arg819Gln (NM_003688.4); short protein forms R819Q, R795Q, R796Q, R824Q, R818Q.
Identifiers: ClinVar variation 872826 (VCV000872826.50), dbSNP rs138646715, ClinGen allele CA10390018.

ClinVar aggregate classification (germline): Conflicting classifications of pathogenicity. Review status: criteria provided, conflicting classifications (1 of 4 stars). 4 submissions from 4 submitters: Uncertain significance (3); Likely benign (1). Last evaluated 2024-03-15.

Conditions:
Inborn genetic diseases. Identifiers: MedGen C0950123, MeSH D030342.
Intellectual disability, CASK-related, X-linked. Identifiers: MedGen CN043158.

Allele frequency attached by ClinVar (database versions not stated): TOPMed below 0.00001; gnomAD 0.00002 and 0.00003; gnomAD exomes 0.00002 and 0.00003; ExAC 0.00005; ESP Exome Variant Server 0.00009.
gnomAD v4.1: 20 of 1,210,037 alleles (0.0017%); highest among the groups gnomAD compares: South Asian, 0.019%; no homozygotes.

Submissions (4):

GeneDx
Classification: Uncertain significance. Last evaluated: 2024-03-15. Review status: criteria provided, single submitter. Criteria: GeneDx Variant Classification Process June 2021. Collection method: clinical testing. Allele origin: germline. Affected: yes.
Comment: In silico analysis supports that this missense variant has a deleterious effect on protein structure/function; Has not been previously published as pathogenic or benign to our knowledge

Ambry Genetics
Classification: Likely benign for Inborn genetic diseases. Last evaluated: 2023-03-02. Review status: criteria provided, single submitter. Criteria: Ambry Variant Classification Scheme 2023. Collection method: clinical testing. Allele origin: germline.

Labcorp Genetics (formerly Invitae), Labcorp
Classification: Uncertain significance for Intellectual disability, CASK-related, X-linked. Last evaluated: 2022-07-26. Review status: criteria provided, single submitter. Criteria: Invitae Variant Classification Sherloc (09022015). Collection method: clinical testing. Allele origin: germline.
Comment: In summary, the available evidence is currently insufficient to determine the role of this variant in disease. Therefore, it has been classified as a Variant of Uncertain Significance. Algorithms developed to predict the effect of missense changes on protein structure and function (SIFT, PolyPhen-2, Align-GVGD) all suggest that this variant is likely to be disruptive. ClinVar contains an entry for this variant (Variation ID: 872826). This variant has not been reported in the literature in individuals affected with CASK-related conditions. This variant is present in population databases (rs138646715, gnomAD 0.02%), including at least one homozygous and/or hemizygous individual. This sequence change replaces arginine, which is basic and polar, with glutamine, which is neutral and polar, at codon 819 of the CASK protein (p.Arg819Gln).

CeGaT Center for Human Genetics Tuebingen
Classification: Uncertain significance. Last evaluated: 2019-07-01. Review status: criteria provided, single submitter. Criteria: CeGaT Center For Human Genetics Tuebingen Variant Classification Criteria Version 2. Collection method: clinical testing. Allele origin: germline. Affected: yes. Observed: 1 variant allele.